The following is an entry in ClinVar:

ClinVar aggregate classification (germline): Likely pathogenic (1 of 4 stars; one submission).

Allele frequency attached by ClinVar (database versions not stated): TOPMed below 0.00001.
gnomAD v4.1: 2 of 1,614,140 alleles (0.00012%); highest among the groups gnomAD compares: Middle Eastern, 0.017%; no homozygotes.

Submission:

GeneDx
Classification: Likely pathogenic. Last evaluated: 2022-01-13. Review status: criteria provided, single submitter. Criteria: GeneDx Variant Classification Process June 2021. Collection method: clinical testing. Allele origin: germline. Affected: yes.
Comment: Intronic +5 splice site variant in a gene for which loss-of-function is a known mechanism of disease; mRNA studies on patient cells and splice predictors support a deleterious effect (Redaelli et al., 2010); Not observed in large population cohorts (gnomAD); This variant is associated with the following publications: (PMID: 25525159, 21122093, 21981352)

NM_016006.6(ABHD5):c.960+5G>A

Gene: ABHD5 (abhydrolase domain containing 5, lysophosphatidic acid acyltransferase; plus strand). Cytogenetic location: 3p21.33.
Variant type: single nucleotide variant.
Coding change: c.960+5G>A on transcript NM_016006.6 (MANE Select); 5 bases into the intron after coding-DNA position 960, G replaced by A.
Molecular consequence: intron variant.
Genome position (GRCh38, 1-based): chr3:43,717,862, G>A. VCF-style: chr3-43717862-G-A. GRCh37 (hg19) VCF-style: chr3-43759354-G-A.
Other names: c.774-581G>A (NM_001365650.1); c.960+5G>A (NM_001355186.2); c.837+5G>A (NM_001365649.1).
Identifiers: ClinVar variation 1697083 (VCV001697083.2), dbSNP rs894423675, ClinGen allele CA74393192.